The following is an entry in ClinVar:

ClinVar aggregate classification (germline): Uncertain significance (1 of 4 stars; one submission).

Conditions:
Muscular dystrophy-dystroglycanopathy (congenital with brain and eye anomalies), type a, 8 (MDDGA8). Also called: WALKER-WARBURG SYNDROME OR MUSCLE-EYE-BRAIN DISEASE, GTDC2-RELATED. Identifiers: Orphanet 899, MedGen C3553813, MONDO:0013904, OMIM 614830.

Allele frequency attached by ClinVar (database versions not stated): TOPMed below 0.00001.
gnomAD v4.1: 4 of 1,614,236 alleles (0.00025%); highest among the groups gnomAD compares: Admixed American, 0.005%; no homozygotes.

Submission:

Labcorp Genetics (formerly Invitae), Labcorp
Classification: Uncertain significance for Muscular dystrophy-dystroglycanopathy (congenital with brain and eye anomalies), type a, 8. Last evaluated: 2018-01-12. Review status: criteria provided, single submitter. Criteria: Invitae Variant Classification Sherloc (09022015). Collection method: clinical testing. Allele origin: germline.
Comment: This sequence change replaces glutamic acid with lysine at codon 287 of the POMGNT2 protein (p.Glu287Lys). The glutamic acid residue is highly conserved and there is a small physicochemical difference between glutamic acid and lysine. This variant is not present in population databases (ExAC no frequency) and has not been reported in the literature in individuals with a POMGNT2-related disease. Algorithms developed to predict the effect of missense changes on protein structure and function (SIFT, PolyPhen-2, Align-GVGD) all suggest that this variant is likely to be tolerated, but these predictions have not been confirmed by published functional studies. In summary, this variant is a novel missense change that is not predicted to affect protein function. There is no indication that it causes disease, but the available evidence is currently insufficient to prove that conclusively. Therefore, it has been classified as a Variant of Uncertain Significance.

NM_032806.6(POMGNT2):c.859G>A (p.Glu287Lys)

Gene: POMGNT2 (protein O-linked mannose N-acetylglucosaminyltransferase 2 (beta 1,4-); minus strand). Cytogenetic location: 3p22.1.
Variant type: single nucleotide variant.
Coding change: c.859G>A on transcript NM_032806.6 (MANE Select); coding-DNA position 859, G replaced by A.
Protein change: p.Glu287Lys; replaces glutamic acid 287 with lysine.
Molecular consequence: missense variant.
Genome position (GRCh38, 1-based): chr3:43,080,573, C>T on the plus strand (G>A on the coding strand, the complement: POMGNT2 is on the minus strand). VCF-style: chr3-43080573-C-T. GRCh37 (hg19) VCF-style: chr3-43122065-C-T.
Other names: short protein forms E287K.
Identifiers: ClinVar variation 473286 (VCV000473286.1), dbSNP rs774815839, ClinGen allele CA352302354.